The following is an entry in ClinVar:

ClinVar aggregate classification (germline): Uncertain significance (1 of 4 stars; one submission).

Conditions:
Bethlem myopathy 1A. Also called: Bethlem myopathy 1; MYOPATHY, BENIGN CONGENITAL, WITH CONTRACTURES; Bethlem Muscular Dystrophy. Identifiers: Orphanet 610, MedGen CN029274, MONDO:0024530, OMIM 158810.

Submission:

Labcorp Genetics (formerly Invitae), Labcorp
Classification: Uncertain significance for Bethlem myopathy 1A. Last evaluated: 2022-12-08. Review status: criteria provided, single submitter. Criteria: Invitae Variant Classification Sherloc (09022015). Collection method: clinical testing. Allele origin: germline.
Comment: In summary, the available evidence is currently insufficient to determine the role of this variant in disease. Therefore, it has been classified as a Variant of Uncertain Significance. Advanced modeling of protein sequence and biophysical properties (such as structural, functional, and spatial information, amino acid conservation, physicochemical variation, residue mobility, and thermodynamic stability) performed at Invitae indicates that this missense variant is not expected to disrupt COL6A3 protein function. This variant has not been reported in the literature in individuals affected with COL6A3-related conditions. This variant is not present in population databases (gnomAD no frequency). This sequence change replaces aspartic acid, which is acidic and polar, with asparagine, which is neutral and polar, at codon 3131 of the COL6A3 protein (p.Asp3131Asn).

NM_004369.4(COL6A3):c.9391G>A (p.Asp3131Asn)

Genes: COL6A3 (collagen type VI alpha 3 chain; minus strand), LOC126806573 (CDK7 strongly-dependent group 2 enhancer GRCh37_chr2:238233151-238234350; plus strand). Cytogenetic location: 2q37.3.
Variant type: single nucleotide variant.
Coding change: c.9391G>A on transcript NM_004369.4 (MANE Select); coding-DNA position 9391, G replaced by A.
Protein change: p.Asp3131Asn; replaces aspartic acid 3131 with asparagine.
Molecular consequence: missense variant.
Genome position (GRCh38, 1-based): chr2:237,325,662, C>T on the plus strand (G>A on the coding strand, the complement: COL6A3 is on the minus strand). VCF-style: chr2-237325662-C-T. GRCh37 (hg19) VCF-style: chr2-238234305-C-T.
Other names: c.7570G>A, p.Asp2524Asn (NM_057166.5); c.8773G>A, p.Asp2925Asn (NM_057167.4); short protein forms D3131N, D2925N, D2524N.
Identifiers: ClinVar variation 2819387 (VCV002819387.3), dbSNP rs763209806, ClinGen allele CA351185552.